The following is an entry in ClinVar:

NM_001384900.1(SEMA3D):c.107G>C (p.Gly36Ala)

Gene: SEMA3D (semaphorin 3D; minus strand). Cytogenetic location: 7q21.11.
Variant type: single nucleotide variant.
Coding change: c.107G>C on transcript NM_001384900.1 (MANE Select); coding-DNA position 107, G replaced by C.
Protein change: p.Gly36Ala; replaces glycine 36 with alanine.
Molecular consequence: missense variant.
Genome position (GRCh38, 1-based): chr7:85,121,785, C>G on the plus strand (G>C on the coding strand, the complement: SEMA3D is on the minus strand). VCF-style: chr7-85121785-C-G. GRCh37 (hg19) VCF-style: chr7-84751101-C-G.
Other names: c.107G>C, p.Gly36Ala (NM_001384901.1, NM_001384902.1, NM_001384903.1 and 1 more transcripts); short protein forms G36A.
Identifiers: ClinVar variation 2336189 (VCV002336189.5), dbSNP rs1789420697, ClinGen allele CA368028187.

ClinVar aggregate classification (germline): Uncertain significance. Review status: criteria provided, multiple submitters, no conflicts (2 of 4 stars). 2 submissions from 2 submitters: Uncertain significance (2). Last evaluated 2026-05-21.

Conditions:
SEMA3D-related disorder. Also called: SEMA3D-related condition.

Allele frequency attached by ClinVar (database versions not stated): gnomAD 0.00001; TOPMed 0.00001.
gnomAD v4.1: 1 of 1,606,884 alleles (0.000062%); highest among the groups gnomAD compares: Admixed American, 0.0017%; no homozygotes.

Submissions (2):

PreventionGenetics, part of Exact Sciences
Classification: Uncertain significance for SEMA3D-related condition. Last evaluated: 2026-05-21. Review status: criteria provided, single submitter. Criteria: ACMG Guidelines, 2015. Collection method: clinical testing. Allele origin: germline.
Comment: The SEMA3D c.107G>C variant is predicted to result in the amino acid substitution p.Gly36Ala. To our knowledge, this variant has not been reported in the literature or in a large population database, indicating this variant is rare. At this time, the clinical significance of this variant is uncertain due to the absence of conclusive functional and genetic evidence.

Ambry Genetics
Classification: Uncertain significance. Last evaluated: 2025-06-03. Review status: criteria provided, single submitter. Criteria: Ambry Variant Classification Scheme 2023. Collection method: clinical testing. Allele origin: germline.